The following is an entry in ClinVar:

NM_013382.7(POMT2):c.1681A>G (p.Asn561Asp)

Gene: POMT2 (protein O-mannosyltransferase 2; minus strand). Cytogenetic location: 14q24.3.
Variant type: single nucleotide variant.
Coding change: c.1681A>G on transcript NM_013382.7 (MANE Select); coding-DNA position 1681, A replaced by G.
Protein change: p.Asn561Asp; replaces asparagine 561 with aspartic acid.
Molecular consequence: missense variant.
Genome position (GRCh38, 1-based): chr14:77,280,436, T>C on the plus strand (A>G on the coding strand, the complement: POMT2 is on the minus strand). VCF-style: chr14-77280436-T-C. GRCh37 (hg19) VCF-style: chr14-77746779-T-C.
Other names: short protein forms N561D.
Identifiers: ClinVar variation 958598 (VCV000958598.8), dbSNP rs1006561976, ClinGen allele CA263819549.
Genomic context (GRCh38, chr14:77,280,436, plus strand): 5'-CAGCCTTGGATCCTACCTGATAGTTGATAGGCCAGTGCCAGGGTTTGGACGTGAACTCAT[T>C]GTCCTTGGGTTTGAGGCCACTGTTCCCCTGCATGAAGGTAGCAAAGAAAGCTAGTCAAGA-3'
Protein context (NP_037514.2, residues 551-571): RGNSGLKPKD[Asn561Asp]EFTSKPWHWP

ClinVar aggregate classification (germline): Uncertain significance. Review status: criteria provided, multiple submitters, no conflicts (2 of 4 stars). 2 submissions from 2 submitters: Uncertain significance (2). Last evaluated 2024-01-10.

Conditions:
Muscular dystrophy-dystroglycanopathy (congenital with brain and eye anomalies), type A2. Also called: MUSCULAR DYSTROPHY-DYSTROGLYCANOPATHY (CONGENITAL WITH BRAIN AND EYE ANOMALIES), TYPE A, 2; WALKER-WARBURG SYNDROME OR MUSCLE-EYE-BRAIN DISEASE, POMT2-RELATED. Identifiers: Orphanet 588, Orphanet 899, MedGen C3150411, MONDO:0013154, OMIM 613150.
Muscular dystrophy-dystroglycanopathy (congenital with impaired intellectual development), type B, 2. Also called: Muscular dystrophy-dystroglycanopathy (congenital with intellectual disability), type B2; MUSCULAR DYSTROPHY, CONGENITAL, POMT2-RELATED. Identifiers: MedGen C3150416, MONDO:0013160, OMIM 613156.
Autosomal recessive limb-girdle muscular dystrophy type 2N. Also called: Muscular dystrophy-dystroglycanopathy (limb-girdle), type C, 2; MUSCULAR DYSTROPHY-DYSTROGLYCANOPATHY, LIMB-GIRDLE, POMT2-RELATED. Identifiers: Orphanet 206559, MedGen C3150418, MONDO:0013162, OMIM 613158.

Allele frequency attached by ClinVar (database versions not stated): TOPMed 0.00002; gnomAD 0.00001; gnomAD exomes 0.00004 and 0.00001.
gnomAD v4.1: 15 of 1,614,094 alleles (0.00093%); highest among the groups gnomAD compares: Admixed American, 0.022%; no homozygotes.

Submissions (2):

Labcorp Genetics (formerly Invitae), Labcorp
Classification: Uncertain significance for Muscular dystrophy-dystroglycanopathy (congenital with impaired intellectual development), type B, 2; Muscular dystrophy-dystroglycanopathy (congenital with brain and eye anomalies), type A2; Autosomal recessive limb-girdle muscular dystrophy type 2N. Last evaluated: 2024-01-10. Review status: criteria provided, single submitter. Criteria: Invitae Variant Classification Sherloc (09022015). Collection method: clinical testing. Allele origin: germline.
Comment: This sequence change replaces asparagine, which is neutral and polar, with aspartic acid, which is acidic and polar, at codon 561 of the POMT2 protein (p.Asn561Asp). This variant is present in population databases (no rsID available, gnomAD 0.03%). This variant has not been reported in the literature in individuals affected with POMT2-related conditions. ClinVar contains an entry for this variant (Variation ID: 958598). Advanced modeling of protein sequence and biophysical properties (such as structural, functional, and spatial information, amino acid conservation, physicochemical variation, residue mobility, and thermodynamic stability) performed at Invitae indicates that this missense variant is not expected to disrupt POMT2 protein function with a negative predictive value of 95%. In summary, the available evidence is currently insufficient to determine the role of this variant in disease. Therefore, it has been classified as a Variant of Uncertain Significance.

Revvity Omics, Revvity
Classification: Uncertain significance. Last evaluated: 2022-05-05. Review status: criteria provided, single submitter. Criteria: ACMG Guidelines, 2015. Collection method: clinical testing. Allele origin: germline.